The following is an entry in ClinVar:

NM_006260.5(DNAJC3):c.729-3C>T

Gene: DNAJC3 (DnaJ heat shock protein family (Hsp40) member C3; plus strand). Cytogenetic location: 13q32.1.
Variant type: single nucleotide variant.
Coding change: c.729-3C>T on transcript NM_006260.5 (MANE Select); 3 bases into the intron before coding-DNA position 729, C replaced by T.
Molecular consequence: intron variant.
Genome position (GRCh38, 1-based): chr13:95,760,676, C>T. VCF-style: chr13-95760676-C-T. GRCh37 (hg19) VCF-style: chr13-96412930-C-T.
Identifiers: ClinVar variation 3045640 (VCV003045640.2), dbSNP rs765440512, ClinGen allele CA7021442.

ClinVar aggregate classification (germline): Likely benign (0 of 4 stars; one submission).

Conditions:
DNAJC3-related disorder. Also called: DNAJC3-related condition.

Allele frequency attached by ClinVar (database versions not stated): ExAC 0.00001; gnomAD exomes 0.00002; gnomAD 0.00003; TOPMed 0.00003.
gnomAD v4.1: 14 of 1,604,180 alleles (0.00087%); highest among the groups gnomAD compares: Admixed American, 0.024%; no homozygotes.

Submission:

PreventionGenetics, part of Exact Sciences
Classification: Likely benign for DNAJC3-related condition. Last evaluated: 2019-11-19. Review status: no assertion criteria provided. Collection method: clinical testing. Allele origin: germline.
Comment: This variant is classified as likely benign based on ACMG/AMP sequence variant interpretation guidelines (Richards et al. 2015 PMID: 25741868, with internal and published modifications).